The following is an entry in ClinVar:

ClinVar aggregate classification (germline): Pathogenic. Review status: criteria provided, multiple submitters, no conflicts (2 of 4 stars). 7 submissions from 7 submitters: Pathogenic (6). 1 of the submissions does not count toward it. Last evaluated 2025-12-28.

Conditions:
Hereditary cancer-predisposing syndrome. Also called: Neoplastic Syndromes, Hereditary; Hereditary neoplastic syndrome; Hereditary Cancer Syndrome; Tumor predisposition. Identifiers: Orphanet 140162, MedGen C0027672, MeSH D009386, MONDO:0015356.
Gastrointestinal stromal tumor. Also called: Gastrointestinal stromal tumor, somatic; Gastrointestinal stroma tumor. Identifiers: Orphanet 44890, MedGen C0238198, MeSH D046152, MONDO:0011719, OMIM 606764, HP:0100723.
Pheochromocytoma. Also called: MAX-Related Hereditary Paraganglioma-Pheochromocytoma Syndrome. Identifiers: Orphanet 29072, MedGen C0031511, MONDO:0008233, OMIM 171300, HP:0002666.
Pheochromocytoma/paraganglioma syndrome 4. Also called: PARAGANGLIOMA, FAMILIAL MALIGNANT; PARAGANGLIOMAS, HEREDITARY EXTRAADRENAL; PHEOCHROMOCYTOMA, FAMILIAL EXTRAADRENAL; Paragangliomas 4; SDHB-Related Hereditary Paraganglioma-Pheochromocytoma Syndrome (Paragangliomas 4); SDHB-Related Hereditary Paraganglioma-Pheochromocytoma Syndrome. Identifiers: Orphanet 29072, MedGen C1861848, MONDO:0007273, OMIM 115310.
Hereditary pheochromocytoma and paraganglioma. Also called: Hereditary Paraganglioma-Pheochromocytoma Syndromes; Hereditary pheochromocytoma-paraganglioma; Hereditary paragangliomas and pheochromocytomas. Identifiers: Orphanet 29072, MedGen C4274332, MONDO:0017366.

Allele frequency attached by ClinVar (database versions not stated): gnomAD exomes below 0.00001.

Submissions (7):

Labcorp Genetics (formerly Invitae), Labcorp
Classification: Pathogenic for Gastrointestinal stromal tumor; Pheochromocytoma/paraganglioma syndrome 4; Pheochromocytoma. Last evaluated: 2025-12-28. Review status: criteria provided, single submitter. Criteria: Invitae Variant Classification Sherloc (09022015). Collection method: clinical testing. Allele origin: germline.
Comment: This sequence change replaces cysteine, which is neutral and slightly polar, with tyrosine, which is neutral and polar, at codon 196 of the SDHB protein (p.Cys196Tyr). This variant is not present in population databases (gnomAD no frequency). This missense change has been observed in individuals with pheochromocytomas (PCC) and/or paragangliomas (PGL) many of whom had malignant tumors or family members affected with PCC or PGL (PMID: 17652212, 19064958, 21172883, 23666964, 24781345, 25683602). ClinVar contains an entry for this variant (Variation ID: 230070). Invitae Evidence Modeling of protein sequence and biophysical properties (such as structural, functional, and spatial information, amino acid conservation, physicochemical variation, residue mobility, and thermodynamic stability) indicates that this missense variant is expected to disrupt SDHB protein function with a positive predictive value of 80%. Experimental studies have shown that this missense change affects SDHB function (PMID: 22835832). For these reasons, this variant has been classified as Pathogenic.

Mayo Clinic Laboratories, Mayo Clinic
Classification: Pathogenic. Last evaluated: 2025-01-07. Review status: criteria provided, single submitter. Criteria: ACMG Guidelines, 2015. Collection method: clinical testing. Allele origin: germline. Observed: 2 variant alleles.
Comment: PP1, PP4, PM2_supporting, PS3, PS4_moderate

Ambry Genetics
Classification: Pathogenic for Hereditary cancer-predisposing syndrome. Last evaluated: 2025-01-03. Review status: criteria provided, single submitter. Criteria: Ambry Variant Classification Scheme 2023. Collection method: clinical testing. Allele origin: germline.
Comment: The p.C196Y pathogenic mutation (also known as c.587G>A), located in coding exon 6 of the SDHB gene, results from a G to A substitution at nucleotide position 587. The cysteine at codon 196 is replaced by tyrosine, an amino acid with highly dissimilar properties. This mutation is in the 4Fe-4S ferredoxin-type domain and has been reported in numerous patients with a pheochromocytoma and/or paraganglioma (Neumann HP et al. N. Engl. J. Med. 2002 May; 346(19):1459-66; Amar L et al. J. Clin. Oncol. 2005 Dec; 23(34):8812-8; Benn DE et al. J. Clin. Endocrinol. Metab. 2006 Mar; 91(3):827-36; Brouwers FM et al. J. Clin. Endocrinol. Metab. 2006 Nov; 91(11):4505-9; Timmers HJ et al. J. Clin. Endocrinol. Metab. 2007 Mar; 92(3):779-86; Amar L et al. J. Clin. Endocrinol. Metab. 2007 Oct; 92(10):3822-8; Burnichon N et al. J. Clin. Endocrinol. Metab. 2009 Aug; 94(8):2817-27; Renella R et al. Fam. Cancer. 2014 Sep;13(3):507-11; Tufton N et al. Endocr. Pathol. 2017 Dec;28(4):320-325). A functional study investigating SDHB missense mutations demonstrated that this variant was associated with accelerated protein degradation and consequent functional insufficiency of the protein (Yang C et al. FASEB J. 2012 Nov;26(11):4506-16). This variant is considered to be rare based on population cohorts in the Genome Aggregation Database (gnomAD). Of note, this alteration is also referred to as c.721G>A in published literature. Based on the supporting evidence, this alteration is interpreted as a disease-causing mutation.

Myriad Genetics, Inc.
Classification: Pathogenic for Pheochromocytoma/paraganglioma syndrome 4. Last evaluated: 2023-06-07. Review status: criteria provided, single submitter. Criteria: Myriad Autosomal Dominant, Autosomal Recessive and X-Linked Classification Criteria (2023). Collection method: clinical testing. Allele origin: unknown.
Comment: This variant is considered pathogenic. This variant has been reported in multiple individuals with clinical features of gene-specific disease [PMID: 30050099, 26259135, 19576851, 28374168, 31492822, 35060925]. This variant is expected to disrupt protein structure [Myriad internal data].

GeneDx
Classification: Pathogenic. Last evaluated: 2018-12-03. Review status: criteria provided, single submitter. Criteria: GeneDx Variant Classification (06012015). Collection method: clinical testing. Allele origin: germline. Affected: yes.
Comment: This pathogenic variant is denoted SDHB c.587G>A at the cDNA level, p.Cys196Tyr (C196Y) at the protein level, and results in the change of a Cysteine to a Tyrosine (TGC>TAC). This variant has been observed in several individuals and families with both malignant and non-malignant paragangliomas/pheochromocytomas, with at least one tumor showing loss of SDHB protein expression via immunohistochemistry (Neumann 2002, Brouwers 2006, Timmers 2008, Burnichon 2009, Hahn 2009, Dubb 2014, Renella 2014, Michalowska 2015, Jochmanova 2017). Cells transfected with SDHB Cys196Tyr demonstrated SDHB protein loss due to a reduced half-life of the variant protein (Yang 2012). SDHB Cys196Tyr was not observed in large population cohorts (Lek 2016). SDHB Cys196Tyr is located in the 4Fe-4S ferredoxin-type domain (UniProt). In silico analysis, which includes protein predictors and evolutionary conservation, supports a deleterious effect. Based on currently available evidence, we consider this variant to be pathogenic.

Center for Human Genetics, Inc
Classification: Pathogenic for Pheochromocytoma/paraganglioma syndrome 4. Last evaluated: 2016-11-01. Review status: criteria provided, single submitter. Criteria: ACMG Guidelines, 2015. Collection method: clinical testing. Allele origin: germline. Affected: yes.

Section on Medical Neuroendocrinolgy, National Institutes of Health
Classification: Pathogenic for Hereditary pheochromocytoma and paraganglioma. Review status: no assertion criteria provided. Collection method: research. Allele origin: germline. Affected: yes. Not counted in ClinVar's aggregate classification.

Literature cited by the submitters: PubMed 17652212 (cited by Labcorp Genetics (formerly Invitae), Labcorp and Ambry Genetics); PubMed 19064958 (cited by Labcorp Genetics (formerly Invitae), Labcorp); PubMed 21172883 (cited by Labcorp Genetics (formerly Invitae), Labcorp and Mayo Clinic Laboratories, Mayo Clinic); PubMed 23666964 (cited by 3 submitters); PubMed 24781345 (cited by Labcorp Genetics (formerly Invitae), Labcorp and Mayo Clinic Laboratories, Mayo Clinic); PubMed 25683602 (cited by Labcorp Genetics (formerly Invitae), Labcorp); PubMed 22835832 (cited by Labcorp Genetics (formerly Invitae), Labcorp and Mayo Clinic Laboratories, Mayo Clinic); PubMed 12000816 (cited by Mayo Clinic Laboratories, Mayo Clinic and Ambry Genetics); PubMed 24429046 (cited by Mayo Clinic Laboratories, Mayo Clinic); PubMed 28284009 (cited by Mayo Clinic Laboratories, Mayo Clinic and Ambry Genetics); PubMed 30050099 (cited by Mayo Clinic Laboratories, Mayo Clinic and Myriad Genetics, Inc.); PubMed 34654685 (cited by Mayo Clinic Laboratories, Mayo Clinic); PubMed 34906457 (cited by Mayo Clinic Laboratories, Mayo Clinic); PubMed 15328326 (cited by Ambry Genetics); PubMed 16314641 (cited by Ambry Genetics); PubMed 16317055 (cited by Ambry Genetics); PubMed 16912137 (cited by Ambry Genetics); PubMed 17200167 (cited by Ambry Genetics); PubMed 18840642 (cited by Ambry Genetics); PubMed 19454582 (cited by Ambry Genetics); PubMed 26259135 (cited by Myriad Genetics, Inc.); PubMed 19576851 (cited by Myriad Genetics, Inc.); PubMed 28374168 (cited by Myriad Genetics, Inc.); PubMed 31492822 (cited by Myriad Genetics, Inc.); PubMed 35060925 (cited by Myriad Genetics, Inc.).

NM_003000.3(SDHB):c.587G>A (p.Cys196Tyr)

Gene: SDHB (succinate dehydrogenase complex iron sulfur subunit B; minus strand). Cytogenetic location: 1p36.13.
Variant type: single nucleotide variant.
Coding change: c.587G>A on transcript NM_003000.3 (MANE Select); coding-DNA position 587, G replaced by A.
Protein change: p.Cys196Tyr; replaces cysteine 196 with tyrosine.
Molecular consequence: missense variant.
Genome position (GRCh38, 1-based): chr1:17,024,028, C>T on the plus strand (G>A on the coding strand, the complement: SDHB is on the minus strand). VCF-style: chr1-17024028-C-T. GRCh37 (hg19) VCF-style: chr1-17350523-C-T.
Other names: short protein forms C196Y.
Identifiers: ClinVar variation 230070 (VCV000230070.16), dbSNP rs876658367, ClinGen allele CA10577672.